The following is an entry in ClinVar:

ClinVar aggregate classification (germline): Uncertain significance (1 of 4 stars; one submission).

Conditions:
Fanconi anemia (FA). Also called: Fanconi's anemia. Identifiers: Orphanet 84, MedGen C0015625, MeSH D005199, MONDO:0019391.

Submission:

Labcorp Genetics (formerly Invitae), Labcorp
Classification: Uncertain significance for Fanconi anemia. Last evaluated: 2016-11-15. Review status: criteria provided, single submitter. Criteria: Invitae Variant Classification Sherloc (09022015). Collection method: clinical testing. Allele origin: germline.
Comment: In summary, this variant is a novel missense change with uncertain impact on protein function. It has been classified as a Variant of Uncertain Significance. Algorithms developed to predict the effect of missense changes on protein structure and function do not agree on the potential impact of this missense change (SIFT: "Tolerated"; PolyPhen-2: "Probably Damaging"; Align-GVGD: "Class C0"). This variant is not present in population databases (ExAC no frequency) and has not been reported in the literature in individuals with a SLX4-related disease. This sequence change replaces serine with phenylalanine at codon 1121 of the SLX4 protein (p.Ser1121Phe). The serine residue is moderately conserved and there is a large physicochemical difference between serine and phenylalanine.

NM_032444.4(SLX4):c.3362C>T (p.Ser1121Phe)

Gene: SLX4 (SLX4 structure-specific endonuclease subunit; minus strand). Cytogenetic location: 16p13.3.
Variant type: single nucleotide variant.
Coding change: c.3362C>T on transcript NM_032444.4 (MANE Select); coding-DNA position 3362, C replaced by T.
Protein change: p.Ser1121Phe; replaces serine 1121 with phenylalanine.
Molecular consequence: missense variant.
Genome position (GRCh38, 1-based): chr16:3,590,276, G>A on the plus strand (C>T on the coding strand, the complement: SLX4 is on the minus strand). VCF-style: chr16-3590276-G-A. GRCh37 (hg19) VCF-style: chr16-3640277-G-A.
Other names: c.3362C>T (LRG_503t1); short protein forms S1121F.
Identifiers: ClinVar variation 407902 (VCV000407902.8), dbSNP rs1060501792, ClinGen allele CA16615159.